The following is an entry in ClinVar:

NM_004646.4(NPHS1):c.2903del (p.Gly968fs)

Gene: NPHS1 (NPHS1 adhesion molecule, nephrin; minus strand). Cytogenetic location: 19q13.12.
Variant type: Deletion.
Coding change: c.2903del on transcript NM_004646.4 (MANE Select); coding-DNA position 2903, one base deleted (G; older notation c.2903delG).
Protein change: p.Gly968fs; shifts the reading frame from glycine 968.
Molecular consequence: frameshift variant.
Genome position (GRCh38, 1-based): chr19:35,839,520, C deleted on the plus strand (G on the coding strand, the reverse complement: NPHS1 is on the minus strand); the first of 5 consecutive C bases (chr19:35,839,520-35,839,524); deleting any one gives the same sequence. VCF-style (leftmost placement, unchanged base first): chr19-35839519-GC-G. GRCh37 (hg19) VCF-style: chr19-36330421-GC-G.
Other names: short protein forms G968fs.
Identifiers: ClinVar variation 5012864 (VCV005012864.1).

ClinVar aggregate classification (germline): Pathogenic (1 of 4 stars; one submission).

Conditions:
Finnish congenital nephrotic syndrome (NPHS1). Also called: NEPHROTIC SYNDROME, TYPE 1. Identifiers: Orphanet 839, MedGen C0403399, MONDO:0009732, OMIM 256300.

Submission:

Myriad Genetics, Inc.
Classification: Pathogenic for Finnish congenital nephrotic syndrome. Last evaluated: 2024-03-25. Review status: criteria provided, single submitter. Criteria: Myriad Autosomal Dominant, Autosomal Recessive and X-Linked Classification Criteria (2023). Collection method: clinical testing. Allele origin: unknown.
Comment: NM_004646.3(NPHS1):c.2903delG(G968Afs*33) is expected to be pathogenic in the context of nephrotic syndrome, NPHS1-related. This variant is predicted to lead to an abnormal or absent protein product due to the creation of a premature termination codon in NPHS1, a gene where loss-of-function variants are known to be pathogenic. Please note: this variant was assessed in the context of healthy population screening.